The following is an entry in ClinVar:

NM_002386.4(MC1R):c.333G>A (p.Ala111=)

Gene: MC1R (melanocortin 1 receptor; plus strand). Cytogenetic location: 16q24.3.
Variant type: single nucleotide variant.
Coding change: c.333G>A on transcript NM_002386.4 (MANE Select); coding-DNA position 333, G replaced by A.
Protein change: p.Ala111=; no amino-acid change (alanine 111 retained).
Molecular consequence: synonymous variant.
Genome position (GRCh38, 1-based): chr16:89,919,591, G>A. VCF-style: chr16-89919591-G-A. GRCh37 (hg19) VCF-style: chr16-89985999-G-A.
Identifiers: ClinVar variation 413855 (VCV000413855.15), dbSNP rs368745976, ClinGen allele CA8255563.
Genomic context (GRCh38, chr16:89,919,591, plus strand): 5'-CGTGCTGGAGACGGCCGTCATCCTCCTGCTGGAGGCCGGTGCACTGGTGGCCCGGGCTGC[G>A]GTGCTGCAGCAGCTGGACAATGTCATTGACGTGATCACCTGCAGCTCCATGCTGTCCAGC-3'
Protein context (NP_002377.4, residues 101-121): LEAGALVARA[Ala111=]VLQQLDNVID

ClinVar aggregate classification (germline): Benign/Likely benign. Review status: criteria provided, multiple submitters, no conflicts (2 of 4 stars). 4 submissions from 4 submitters: Benign (1); Likely benign (3). Last evaluated 2026-08-18.

Conditions:
MC1R-related disorder. Also called: MC1R-related condition.
Melanoma, cutaneous malignant, susceptibility to, 5. Also called: Cutaneous malignant melanoma 5. Identifiers: Orphanet 618, MedGen C2751295, MONDO:0013133, OMIM 613099.

Allele frequency attached by ClinVar (database versions not stated): 1000 Genomes Project 30x 0.00016; 1000 Genomes Project 0.00020; gnomAD exomes 0.00020 and 0.00080; gnomAD 0.00028 and 0.00029; ESP Exome Variant Server 0.00031; TOPMed 0.00062; ExAC 0.00064.
gnomAD v4.1: 326 of 1,609,764 alleles (0.02%); highest among the groups gnomAD compares: Admixed American, 0.39%; 2 homozygotes.

Submissions (4):

PreventionGenetics, part of Exact Sciences
Classification: Likely benign for MC1R-related condition. Last evaluated: 2026-08-18. Review status: criteria provided, single submitter. Criteria: ACMG Guidelines, 2015. Collection method: clinical testing. Allele origin: germline.
Comment: This variant is classified as likely benign based on ACMG/AMP sequence variant interpretation guidelines (Richards et al. 2015 PMID: 25741868, with internal and published modifications).

Labcorp Genetics (formerly Invitae), Labcorp
Classification: Benign for Melanoma, cutaneous malignant, susceptibility to, 5. Last evaluated: 2025-11-20. Review status: criteria provided, single submitter. Criteria: Invitae Variant Classification Sherloc (09022015). Collection method: clinical testing. Allele origin: germline.

ARUP Laboratories, Molecular Genetics and Genomics, ARUP Laboratories
Classification: Likely benign. Last evaluated: 2024-12-10. Review status: criteria provided, single submitter. Criteria: ARUP Molecular Germline Variant Investigation Process 2024. Collection method: clinical testing. Allele origin: germline.

Ambry Genetics
Classification: Likely benign. Last evaluated: 2024-10-04. Review status: criteria provided, single submitter. Criteria: Ambry Variant Classification Scheme 2023. Collection method: clinical testing. Allele origin: germline.